The following is an entry in ClinVar:

ClinVar aggregate classification (germline): Conflicting classifications of pathogenicity. Review status: criteria provided, conflicting classifications (1 of 4 stars). 2 submissions from 2 submitters: Uncertain significance (1); Likely benign (1). Last evaluated 2025-08-03.

Conditions:
Tuberous sclerosis syndrome (TSC). Also called: Tuberous Sclerosis Complex; Tuberous sclerosis. Identifiers: Orphanet 805, MedGen C0041341, MONDO:0001734.
Tuberous sclerosis 1 (TSC1). Identifiers: Orphanet 805, MedGen C1854465, MONDO:0008612, OMIM 191100.

Allele frequency attached by ClinVar (database versions not stated): gnomAD exomes below 0.00001; ExAC 0.00001.

Submissions (2):

Labcorp Genetics (formerly Invitae), Labcorp
Classification: Likely benign for Tuberous sclerosis 1. Last evaluated: 2025-08-03. Review status: criteria provided, single submitter. Criteria: Invitae Variant Classification Sherloc (09022015). Collection method: clinical testing. Allele origin: germline.

All of Us Research Program, National Institutes of Health
Classification: Uncertain significance for Tuberous sclerosis syndrome. Last evaluated: 2023-12-13. Review status: criteria provided, single submitter. Criteria: ACMG Guidelines, 2015. Collection method: clinical testing. Allele origin: germline. Inheritance: Autosomal dominant inheritance. Observed: 1 variant allele, 1 heterozygote.
Comment: This missense variant replaces methionine with valine at codon 139 of the TSC1 protein. Computational prediction suggests that this variant may not impact protein structure and function (internally defined REVEL score threshold <= 0.5, PMID: 27666373). To our knowledge, functional studies have not been reported for this variant. This variant has not been reported in individuals affected with TSC1-related disorders in the literature. This variant has been identified in 1/251416 chromosomes in the general population by the Genome Aggregation Database (gnomAD). The available evidence is insufficient to determine the role of this variant in disease conclusively. Therefore, this variant is classified as a Variant of Uncertain Significance.

This study involves interpretation of variants in research participants for the purpose of population health screening. Participant phenotype was not available at the time of variant classification. Additional details can be found in publication PMID: 35346344, PMCID: PMC8962531

NM_000368.5(TSC1):c.415A>G (p.Met139Val)

Gene: TSC1 (TSC complex subunit 1; minus strand). Cytogenetic location: 9q34.13.
Variant type: single nucleotide variant.
Coding change: c.415A>G on transcript NM_000368.5 (MANE Select); coding-DNA position 415, A replaced by G.
Protein change: p.Met139Val; replaces methionine 139 with valine.
Molecular consequence: missense variant. On other transcripts: 5 prime UTR variant (5), non-coding transcript variant (5).
Genome position (GRCh38, 1-based): chr9:132,923,441, T>C on the plus strand (A>G on the coding strand, the complement: TSC1 is on the minus strand). VCF-style: chr9-132923441-T-C. GRCh37 (hg19) VCF-style: chr9-135798828-T-C.
Other names: c.415A>G, p.Met139Val (NM_001162426.2, NM_001406592.1, NM_001406593.1 and 16 more transcripts); c.262A>G, p.Met88Val (NM_001162427.2, NM_001406610.1, NM_001406611.1 and 2 more transcripts); c.52A>G, p.Met18Val (NM_001362177.2, NM_001406614.1, NM_001406615.1 and 10 more transcripts); c.-463A>G (NM_001406626.1, NM_001406627.1, NM_001406628.1); c.-605A>G (NM_001406629.1); c.-679A>G (NM_001406630.1); short protein forms M139V, M18V, M88V.
Identifiers: ClinVar variation 3074906 (VCV003074906.3), dbSNP rs780442112, ClinGen allele CA037494.